The following is an entry in ClinVar:

NM_017415.3(KLHL3):c.*790G>A

Gene: KLHL3 (kelch like family member 3; minus strand). Cytogenetic location: 5q31.2.
Variant type: single nucleotide variant.
Coding change: c.*790G>A on transcript NM_017415.3 (MANE Select); 790 bases downstream of the stop codon, G replaced by A.
Molecular consequence: 3 prime UTR variant.
Genome position (GRCh38, 1-based): chr5:137,621,308, C>T on the plus strand (G>A on the coding strand, the complement: KLHL3 is on the minus strand). VCF-style: chr5-137621308-C-T. GRCh37 (hg19) VCF-style: chr5-136956997-C-T.
Other names: c.*790G>A (NM_001257194.1, NM_001257195.2).
Identifiers: ClinVar variation 350970 (VCV000350970.6), dbSNP rs572765305, ClinGen allele CA10620231.

ClinVar aggregate classification (germline): Benign (1 of 4 stars; one submission).

Conditions:
Pseudohypoaldosteronism type 2D (PHA2D). Also called: FAMILIAL HYPERKALEMIC HYPERTENSION; PSEUDOHYPOALDOSTERONISM, TYPE IID, AUTOSOMAL DOMINANT OR RECESSIVE; Pseudohypoaldosteronism Type IID. Identifiers: Orphanet 300525, Orphanet 757, MedGen C3469605, MONDO:0013781, OMIM 614495.

Allele frequency attached by ClinVar (database versions not stated): gnomAD 0.00044 and 0.00053; TOPMed 0.00076; 1000 Genomes Project 30x 0.00094; 1000 Genomes Project 0.00100.

Submission:

Illumina Laboratory Services, Illumina
Classification: Benign for Pseudohypoaldosteronism type 2D. Last evaluated: 2018-01-13. Review status: criteria provided, single submitter. Criteria: ICSL Variant Classification Criteria 13 December 2019. Collection method: clinical testing. Allele origin: germline.
Comment: This variant was observed in the ICSL laboratory as part of a predisposition screen in an ostensibly healthy population. It had not been previously curated by ICSL or reported in the Human Gene Mutation Database (HGMD: prior to June 1st, 2018), and was therefore a candidate for classification through an automated scoring system. Utilizing variant allele frequency, disease prevalence and penetrance estimates, and inheritance mode, an automated score was calculated to assess if this variant is too frequent to cause the disease. Based on the score and internal cut-off values, a variant classified as benign is not then subjected to further curation. The score for this variant resulted in a classification of benign for this disease.